The following is an entry in ClinVar:

ClinVar aggregate classification (germline): Uncertain significance. Review status: criteria provided, multiple submitters, no conflicts (2 of 4 stars). 2 submissions from 2 submitters: Uncertain significance (2). Last evaluated 2023-09-13.

Conditions:
Amelocerebrohypohidrotic syndrome (KTZS). Also called: EPILEPSY AND YELLOW TEETH; EPILEPSY, DEMENTIA, AND AMELOGENESIS IMPERFECTA; Kohlschutter's syndrome; KOHLSCHUTTER SYNDROME. Identifiers: Orphanet 1946, MedGen C0406740, MONDO:0009185, OMIM 226750.

Submissions (2):

Blueprint Genetics
Classification: Uncertain significance. Last evaluated: 2023-09-13. Review status: criteria provided, single submitter. Criteria: ACMG Guidelines, 2015. Collection method: clinical testing. Allele origin: germline.

Labcorp Genetics (formerly Invitae), Labcorp
Classification: Uncertain significance for Amelocerebrohypohidrotic syndrome. Last evaluated: 2021-02-17. Review status: criteria provided, single submitter. Criteria: Invitae Variant Classification Sherloc (09022015). Collection method: clinical testing. Allele origin: germline.
Comment: In summary, the available evidence is currently insufficient to determine the role of this variant in disease. Therefore, it has been classified as a Variant of Uncertain Significance. Algorithms developed to predict the effect of missense changes on protein structure and function (SIFT, PolyPhen-2, Align-GVGD) all suggest that this variant is likely to be disruptive, but these predictions have not been confirmed by published functional studies and their clinical significance is uncertain. This variant has not been reported in the literature in individuals with ROGDI-related conditions. This variant is not present in population databases (ExAC no frequency). This sequence change replaces proline with arginine at codon 185 of the ROGDI protein (p.Pro185Arg). The proline residue is highly conserved and there is a moderate physicochemical difference between proline and arginine.

NM_024589.3(ROGDI):c.554C>G (p.Pro185Arg)

Gene: ROGDI (rogdi atypical leucine zipper; minus strand). Cytogenetic location: 16p13.3.
Variant type: single nucleotide variant.
Coding change: c.554C>G on transcript NM_024589.3 (MANE Select); coding-DNA position 554, C replaced by G.
Protein change: p.Pro185Arg; replaces proline 185 with arginine.
Molecular consequence: missense variant. On other transcripts: non-coding transcript variant (1).
Genome position (GRCh38, 1-based): chr16:4,798,162, G>C on the plus strand (C>G on the coding strand, the complement: ROGDI is on the minus strand). VCF-style: chr16-4798162-G-C. GRCh37 (hg19) VCF-style: chr16-4848163-G-C.
Other names: short protein forms P185R.
Identifiers: ClinVar variation 1367892 (VCV001367892.9), dbSNP rs1212858197, ClinGen allele CA394650645.